The following is an entry in ClinVar:

ClinVar aggregate classification (germline): Uncertain significance (1 of 4 stars; one submission).

Allele frequency attached by ClinVar (database versions not stated): TOPMed below 0.00001.
gnomAD v4.1: 1 of 1,613,770 alleles (0.000062%); highest among the groups gnomAD compares: East Asian, 0.0022%; no homozygotes.

Submission:

Labcorp Genetics (formerly Invitae), Labcorp
Classification: Uncertain significance. Last evaluated: 2021-10-14. Review status: criteria provided, single submitter. Criteria: Invitae Variant Classification Sherloc (09022015). Collection method: clinical testing. Allele origin: germline.
Comment: In summary, the available evidence is currently insufficient to determine the role of this variant in disease. Therefore, it has been classified as a Variant of Uncertain Significance. Algorithms developed to predict the effect of missense changes on protein structure and function output the following: SIFT: "Deleterious"; PolyPhen-2: "Benign"; Align-GVGD: "Class C0". The glutamine amino acid residue is found in multiple mammalian species, which suggests that this missense change does not adversely affect protein function. This variant has not been reported in the literature in individuals affected with DEF6-related conditions. This variant is present in population databases (rs766579626, ExAC 0.009%). This sequence change replaces arginine with glutamine at codon 425 of the DEF6 protein (p.Arg425Gln). The arginine residue is moderately conserved and there is a small physicochemical difference between arginine and glutamine.

NM_022047.4(DEF6):c.1274G>A (p.Arg425Gln)

Gene: DEF6 (DEF6 guanine nucleotide exchange factor; plus strand). Cytogenetic location: 6p21.31.
Variant type: single nucleotide variant.
Coding change: c.1274G>A on transcript NM_022047.4 (MANE Select); coding-DNA position 1274, G replaced by A.
Protein change: p.Arg425Gln; replaces arginine 425 with glutamine.
Molecular consequence: missense variant.
Genome position (GRCh38, 1-based): chr6:35,319,582, G>A. VCF-style: chr6-35319582-G-A. GRCh37 (hg19) VCF-style: chr6-35287359-G-A.
Other names: short protein forms R425Q.
Identifiers: ClinVar variation 1471466 (VCV001471466.4), dbSNP rs766579626, ClinGen allele CA3770909.